The following is an entry in ClinVar:

ClinVar aggregate classification (germline): Benign/Likely benign. Review status: criteria provided, multiple submitters, no conflicts (2 of 4 stars). 3 submissions from 3 submitters: Benign (2); Likely benign (1). Last evaluated 2026-02-03.

Conditions:
Woodhouse-Sakati syndrome. Also called: EXTRAPYRAMIDAL DISORDER, PROGRESSIVE, WITH PRIMARY HYPOGONADISM, MENTAL RETARDATION, AND ALOPECIA; Hypogonadism, diabetes mellitus, alopecia, mental retardation and electrocardiographic abnormalities; Hypogonadism, Alopecia, Diabetes Mellitus, Mental Retardation, and Extrapyramidal Syndrome. Identifiers: Orphanet 3464, MedGen C0342286, MONDO:0009419, OMIM 241080.

Allele frequency attached by ClinVar (database versions not stated): gnomAD 0.00086 and 0.00052; TOPMed 0.00114; 1000 Genomes Project 0.00379; gnomAD exomes 0.00175; 1000 Genomes Project 30x 0.00359; ExAC 0.00182.
gnomAD v4.1: 1,197 of 1,599,118 alleles (0.075%); highest among the groups gnomAD compares: East Asian, 2.2%; 16 homozygotes.

Submissions (3):

Labcorp Genetics (formerly Invitae), Labcorp
Classification: Benign for Woodhouse-Sakati syndrome. Last evaluated: 2026-02-03. Review status: criteria provided, single submitter. Criteria: Invitae Variant Classification Sherloc (09022015). Collection method: clinical testing. Allele origin: germline.

GeneDx
Classification: Likely benign. Last evaluated: 2019-01-25. Review status: criteria provided, single submitter. Criteria: GeneDx Variant Classification Process June 2021. Collection method: clinical testing. Allele origin: germline. Affected: yes.

Clinical Genomics, Uppaluri K&H Personalized Medicine Clinic
Classification: Benign for Woodhouse-Sakati syndrome. Review status: criteria provided, single submitter. Criteria: K & H Uppaluri Personalized Medicine Clinic Variant Classification & Assertion Criteria_Updated V.1. Collection method: research. Allele origin: unknown. Inheritance: Autosomal recessive inheritance.
Comment: Mutations in DCAF17 have been associated with a rare syndrome called Woodhouse Sakati Syndrome, which can have diabetes mellitus as one of the presentations.However no sufficient evidence is found to ascertain the role of this particular variant rs142462938, yet.

Literature cited by the submitters: PubMed 31347785 (cited by Clinical Genomics, Uppaluri K&H Personalized Medicine Clinic); PubMed 35876063 (cited by Clinical Genomics, Uppaluri K&H Personalized Medicine Clinic); PubMed 27489925 (cited by Clinical Genomics, Uppaluri K&H Personalized Medicine Clinic).

NM_025000.4(DCAF17):c.537+16C>T

Gene: DCAF17 (DDB1 and CUL4 associated factor 17; plus strand). Cytogenetic location: 2q31.1.
Variant type: single nucleotide variant.
Coding change: c.537+16C>T on transcript NM_025000.4 (MANE Select); 16 bases into the intron after coding-DNA position 537, C replaced by T.
Molecular consequence: intron variant.
Genome position (GRCh38, 1-based): chr2:171,449,973, C>T. VCF-style: chr2-171449973-C-T. GRCh37 (hg19) VCF-style: chr2-172306483-C-T.
Other names: c.537+16C>T (NM_001164821.2).
Identifiers: ClinVar variation 1164692 (VCV001164692.12), dbSNP rs142462938, ClinGen allele CA1964695.